The following is an entry in ClinVar:

ClinVar aggregate classification (germline): Likely benign (1 of 4 stars; one submission).

Allele frequency attached by ClinVar (database versions not stated): ESP Exome Variant Server 0.00066; TOPMed 0.00132; gnomAD 0.00179; gnomAD exomes 0.00263; 1000 Genomes Project 0.00319; 1000 Genomes Project 30x 0.00344; ExAC 0.00423.
gnomAD v4.1: 3,886 of 1,537,186 alleles (0.25%); highest among the groups gnomAD compares: South Asian, 0.93%; 21 homozygotes.

Submission:

CeGaT Center for Human Genetics Tuebingen
Classification: Likely benign. Last evaluated: 2022-11-01. Review status: criteria provided, single submitter. Criteria: CeGaT Center For Human Genetics Tuebingen Variant Classification Criteria Version 2. Collection method: clinical testing. Allele origin: germline. Affected: yes. Observed: 1 variant allele.
Comment: STARD9: BP4, BS2

NM_020759.3(STARD9):c.9115A>C (p.Ser3039Arg)

Gene: STARD9 (StAR related lipid transfer domain containing 9; plus strand). Cytogenetic location: 15q15.2.
Variant type: single nucleotide variant.
Coding change: c.9115A>C on transcript NM_020759.3 (MANE Select); coding-DNA position 9115, A replaced by C.
Protein change: p.Ser3039Arg; replaces serine 3039 with arginine.
Molecular consequence: missense variant.
Genome position (GRCh38, 1-based): chr15:42,690,693, A>C. VCF-style: chr15-42690693-A-C. GRCh37 (hg19) VCF-style: chr15-42982891-A-C.
Other names: short protein forms S3039R.
Identifiers: ClinVar variation 2645246 (VCV002645246.24), dbSNP rs149176049, ClinGen allele CA7514647.